The following is an entry in ClinVar:

NM_000051.4(ATM):c.2817C>G (p.Thr939=)

Gene: ATM (ATM serine/threonine kinase; plus strand). Cytogenetic location: 11q22.3.
Variant type: single nucleotide variant.
Coding change: c.2817C>G on transcript NM_000051.4 (MANE Select); coding-DNA position 2817, C replaced by G.
Protein change: p.Thr939=; no amino-acid change (threonine 939 retained).
Molecular consequence: synonymous variant.
Genome position (GRCh38, 1-based): chr11:108,268,588, C>G. VCF-style: chr11-108268588-C-G. GRCh37 (hg19) VCF-style: chr11-108139315-C-G.
Other names: c.2817C>G, p.Thr939= (NM_001351834.2).
Identifiers: ClinVar variation 482607 (VCV000482607.16), dbSNP rs1555083440, ClinGen allele CA476674035.

ClinVar aggregate classification (germline): Benign/Likely benign. Review status: criteria provided, multiple submitters, no conflicts (2 of 4 stars). 4 submissions from 4 submitters: Benign (1); Likely benign (3). Last evaluated 2025-03-04.

Conditions:
Familial cancer of breast. Also called: BREAST CANCER, FAMILIAL; Hereditary breast cancer; hereditary breast carcinoma. Identifiers: Orphanet 227535, MedGen C0346153, MONDO:0016419, OMIM 114480. Disease mechanism: loss of function.
Hereditary cancer-predisposing syndrome. Also called: Hereditary neoplastic syndrome; Neoplastic Syndromes, Hereditary; Tumor predisposition; Hereditary Cancer Syndrome. Identifiers: Orphanet 140162, MedGen C0027672, MeSH D009386, MONDO:0015356.
Ataxia-telangiectasia syndrome (AT). Also called: LOUIS-BAR SYNDROME; Cerebello-oculocutaneous telangiectasia; Immunodeficiency with ataxia telangiectasia; AT, COMPLEMENTATION GROUP C; Ataxia-telangiectasia, complementation group D; ATAXIA-TELANGIECTASIA, COMPLEMENTATION GROUP A. Identifiers: Orphanet 100, MedGen C0004135, MONDO:0008840, OMIM 208900.

Submissions (4):

Center for Genomic Medicine, Rigshospitalet, Copenhagen University Hospital
Classification: Likely benign. Last evaluated: 2025-03-04. Review status: criteria provided, single submitter. Criteria: ACMG Guidelines, 2015. Collection method: clinical testing. Allele origin: germline.

Myriad Genetics, Inc.
Classification: Benign for Familial cancer of breast. Last evaluated: 2024-05-10. Review status: criteria provided, single submitter. Criteria: Myriad Autosomal Dominant, Autosomal Recessive and X-Linked Classification Criteria (2023). Collection method: clinical testing. Allele origin: unknown.
Comment: This variant is considered benign. This variant is a silent/synonymous amino acid change and it is not expected to impact splicing.

Labcorp Genetics (formerly Invitae), Labcorp
Classification: Likely benign for Ataxia-telangiectasia syndrome. Last evaluated: 2022-09-17. Review status: criteria provided, single submitter. Criteria: Invitae Variant Classification Sherloc (09022015). Collection method: clinical testing. Allele origin: germline.

Ambry Genetics
Classification: Likely benign for Hereditary cancer-predisposing syndrome. Last evaluated: 2016-06-17. Review status: criteria provided, single submitter. Criteria: Ambry Variant Classification Scheme 2023. Collection method: clinical testing. Allele origin: germline.